The following is an entry in ClinVar:

ClinVar aggregate classification (germline): Conflicting classifications of pathogenicity. Review status: criteria provided, conflicting classifications (1 of 4 stars). 5 submissions from 5 submitters: Pathogenic (2); Likely pathogenic (1); Uncertain significance (1). 1 of the submissions does not count toward it. Last evaluated 2025-07-16.

Conditions:
MPZL2-related disorder. Also called: MPZL2-related condition.
Hearing loss, autosomal recessive 111. Also called: DEAFNESS, AUTOSOMAL RECESSIVE 111. Identifiers: MedGen C4748374, MONDO:0029142, OMIM 618145.

Submissions (5):

First Genomix Gene Laboratory, Genetic Diagnostics Department
Classification: Likely pathogenic for Hearing loss, autosomal recessive 111. Last evaluated: 2025-07-16. Review status: criteria provided, single submitter. Criteria: ACMG Guidelines, 2015. Collection method: clinical testing. Allele origin: germline. Inheritance: Autosomal recessive inheritance. Affected: no. Observed: 1 variant allele.

Institute of Rare Diseases, West China Hospital, Sichuan University
Classification: Pathogenic for Hearing loss, autosomal recessive 111. Last evaluated: 2025-01-09. Review status: criteria provided, single submitter. Criteria: ClinGen HL ACMG Specifications v1. Collection method: research. Allele origin: germline. Affected: yes.
Comment: PVS1_Strong;PM3_Supporting;PS1

Blueprint Genetics
Classification: Pathogenic for MPZL2-related disorders. Last evaluated: 2024-11-19. Review status: criteria provided, single submitter. Criteria: ACMG Guidelines, 2015. Collection method: clinical testing. Allele origin: germline. Affected: yes. Observed: 5 variant alleles.

Department of Pathology and Laboratory Medicine, Sinai Health System
Classification: Uncertain significance for Hearing loss, autosomal recessive 111. Last evaluated: 2022-11-28. Review status: criteria provided, single submitter. Criteria: ACMG Guidelines, 2015. Collection method: research. Allele origin: germline.

PreventionGenetics, part of Exact Sciences
Classification: Likely pathogenic for MPZL2-related condition. Last evaluated: 2024-08-12. Review status: no assertion criteria provided. Collection method: clinical testing. Allele origin: germline. Not counted in ClinVar's aggregate classification.
Comment: The MPZL2 c.2T>C variant is predicted to disrupt the translation initiation site (Start loss). To our knowledge, this variant has not been reported in the literature. An alternate nucleotide substitution predicted to result in start loss has been reported as likely pathogenic in the compound heterozygous state in a patient with MPZL2-related hearing loss (Zhang et al. 2024. PubMed ID: 38254107). This variant is reported in 0.18% of alleles in individuals of Ashkenazi Jewish descent in gnomAD, but no homozygous individuals. Based on the available evidence, we classify this variant as likely pathogenic.

NM_005797.4(MPZL2):c.2T>C (p.Met1Thr)

Gene: MPZL2 (myelin protein zero like 2; minus strand). Cytogenetic location: 11q23.3.
Variant type: single nucleotide variant.
Coding change: c.2T>C on transcript NM_005797.4 (MANE Select); coding-DNA position 2, T replaced by C.
Protein change: p.Met1Thr; changes the start codon (methionine 1).
Molecular consequence: missense variant, initiator codon variant.
Genome position (GRCh38, 1-based): chr11:118,264,152, A>G on the plus strand (T>C on the coding strand, the complement: MPZL2 is on the minus strand). VCF-style: chr11-118264152-A-G. GRCh37 (hg19) VCF-style: chr11-118134867-A-G.
Other names: c.2T>C, p.Met1Thr (NM_144765.3); short protein forms M1T.
Identifiers: ClinVar variation 3349459 (VCV003349459.5).